The following is an entry in ClinVar:

NM_001142800.2(EYS):c.-252G>A

Gene: EYS (eyes shut homolog; minus strand). Cytogenetic location: 6q12.
Variant type: single nucleotide variant.
Coding change: c.-252G>A on transcript NM_001142800.2 (MANE Select); 252 bases upstream of the start codon, G replaced by A.
Molecular consequence: 5 prime UTR variant.
Genome position (GRCh38, 1-based): chr6:65,495,913, C>T on the plus strand (G>A on the coding strand, the complement: EYS is on the minus strand). VCF-style: chr6-65495913-C-T. GRCh37 (hg19) VCF-style: chr6-66205806-C-T.
Other names: c.-252G>A (NM_001142801.2, NM_001292009.2, NM_198283.2).
Identifiers: ClinVar variation 1477253 (VCV001477253.3), dbSNP rs1440875342, ClinGen allele CA567773268.
Genomic context (GRCh38, chr6:65,495,913, plus strand): 5'-ACTTACTGCGGTCTTTTGTGTTTTCTCTTTACACCAAGCTTCAATCTAATCAAAACACAG[C>T]ACAGCCAAGATTCTTTTACAGATGGTTTCAATTTTCTTGGGAGATAAGCATTCCTCTTCT-3'

ClinVar aggregate classification (germline): Uncertain significance (1 of 4 stars; one submission).

Allele frequency attached by ClinVar (database versions not stated): gnomAD 0.00002.

Submission:

Labcorp Genetics (formerly Invitae), Labcorp
Classification: Uncertain significance. Last evaluated: 2022-10-04. Review status: criteria provided, single submitter. Criteria: Invitae Variant Classification Sherloc (09022015). Collection method: clinical testing. Allele origin: germline.
Comment: This variant occurs in a non-coding region of the EYS gene. It does not change the encoded amino acid sequence of the EYS protein. This variant is present in population databases (no rsID available, gnomAD 0.1%). This variant has not been reported in the literature in individuals affected with EYS-related conditions. ClinVar contains an entry for this variant (Variation ID: 1477253). Experimental studies and prediction algorithms are not available or were not evaluated, and the functional significance of this variant is currently unknown. In summary, the available evidence is currently insufficient to determine the role of this variant in disease. Therefore, it has been classified as a Variant of Uncertain Significance.